The following is an entry in ClinVar:

NM_000095.3(COMP):c.1079_1083delinsGGAAA (p.Lys360_Asp361delinsArgLys)

Gene: COMP (cartilage oligomeric matrix protein; minus strand). Cytogenetic location: 19p13.11.
Variant type: Indel.
Coding change: c.1079_1083delinsGGAAA on transcript NM_000095.3 (MANE Select); coding-DNA positions 1079 to 1083, AGGAC replaced by GGAAA.
Protein change: p.Lys360_Asp361delinsArgLys.
Molecular consequence: missense variant.
Genome position (GRCh38, 1-based): chr19:18,787,543-18,787,547, GTCCT replaced by TTTCC on the plus strand (AGGAC replaced by GGAAA on the coding strand, the reverse complement: COMP is on the minus strand). VCF-style: chr19-18787543-GTCCT-TTTCC. GRCh37 (hg19) VCF-style: chr19-18898352-GTCCT-TTTCC.
Identifiers: ClinVar variation 4997273 (VCV004997273.1).
Genomic context (GRCh38, chr19:18,787,543, plus strand): 5'-GAGCTCACGGTCGCCGTCGATGTCGTCGTCGCACGCATCGCCCCGGCCGTCCTGGTCTGT[GTCCT>TTTCC]TTTGGTCGTCGTTCTTCTGGGACCGGCAGTTGTCGCACGCATCGCCCCACTTGTCCTCGT-3'

ClinVar aggregate classification (germline): Uncertain significance (1 of 4 stars; one submission).

Conditions:
COMP-related disorder. Also called: COMP-related condition; COMP-related disorders.

Submission:

PreventionGenetics, part of Exact Sciences
Classification: Uncertain significance for COMP-related condition. Last evaluated: 2024-12-12. Review status: criteria provided, single submitter. Criteria: ACMG Guidelines, 2015. Collection method: clinical testing. Allele origin: germline.
Comment: The COMP c.1079_1083delinsGGAAA variant is predicted to result in an in-frame deletion and insertion. To our knowledge, this variant has not been reported in the literature or in a large population database (gnomAD), indicating this variant is rare. At this time, the clinical significance of this variant is uncertain due to the absence of conclusive functional and genetic evidence.